The following is an entry in ClinVar:

NM_206926.2(SELENON):c.994G>T (p.Glu332Ter)

Gene: SELENON (selenoprotein N; plus strand). Cytogenetic location: 1p36.11.
Variant type: single nucleotide variant.
Coding change: c.994G>T on transcript NM_206926.2 (MANE Select); coding-DNA position 994, G replaced by T.
Protein change: p.Glu332Ter; replaces glutamic acid 332 with a stop codon.
Molecular consequence: nonsense.
Genome position (GRCh38, 1-based): chr1:25,811,694, G>T. VCF-style: chr1-25811694-G-T. GRCh37 (hg19) VCF-style: chr1-26138185-G-T.
Other names: NM_020451.3(SELENON):c.1096G>T; p.Glu366Ter; c.1096G>T, p.Glu366Ter (NM_020451.3); short protein forms E366*, E332*.
Identifiers: ClinVar variation 199156 (VCV000199156.7), dbSNP rs794727976, ClinGen allele CA275449.
Genomic context (GRCh38, chr1:25,811,694, plus strand): 5'-CCCTGAGGATTCTTGCCCATCTCTGAGCCTTCCCCCTACCACTGACCTCTGGCCCAGATG[G>T]AGCTGGAGGCCACGGGCCCCTCTGTGCCCTCCGTGATCCTGGATGAGGATGGCAGCATGA-3'

ClinVar aggregate classification (germline): Pathogenic/Likely pathogenic. Review status: criteria provided, multiple submitters, no conflicts (2 of 4 stars). 2 submissions from 2 submitters: Pathogenic (1); Likely pathogenic (1). Last evaluated 2023-01-24.

Conditions:
Eichsfeld type congenital muscular dystrophy (CMYO3). Also called: MYOPATHY, SEPN1-RELATED; SELENON-related myopathy; Congenital myopathy 3 with rigid spine; Rigid spine muscular dystrophy 1. Identifiers: MedGen C0410180, MONDO:0100100, OMIM 602771.

Allele frequency attached by ClinVar (database versions not stated): TOPMed below 0.00001; gnomAD 0.00001.
gnomAD v4.1: 1 of 1,610,752 alleles (0.000062%); highest among the groups gnomAD compares: Non-Finnish European, 0.000085%; no homozygotes.

Submissions (2):

Broad Center for Mendelian Genomics, Broad Institute of MIT and Harvard
Classification: Likely pathogenic. Last evaluated: 2023-01-24. Review status: criteria provided, single submitter. Criteria: ACMG Guidelines, 2015. Collection method: curation. Allele origin: germline. Inheritance: Autosomal recessive inheritance.
Comment: The p.Glu366Ter variant in SELENON has been reported in 1 individual in the compound heterozygous state with SELENON-RM (PMID: 27066551) and has been identified in 0.006% (1/15420) of European (non-Finnish) chromosomes by the Genome Aggregation Database (gnomAD; dbSNP ID: rs794727976). Although this variant has been seen in the general population in a heterozygous state, its frequency is low enough to be consistent with a recessive carrier frequency. This variant has also been reported in ClinVar (Variation ID#: 199156) and has been interpreted as pathogenic by Eurofins NTD, LLC. This nonsense variant leads to a premature termination codon at position 336 which is predicted to lead to a truncated or absent protein. Loss of function of the SELENON gene is an established disease mechanism in autosomal recessive SELENON-RM. In summary, although additional studies are required to fully establish its clinical significance, this variant is likely pathogenic for autosomal recessive SELENON-RM. ACMG/AMP Criteria applied: PVS1, PM2 (Richards 2015).

Eurofins Ntd Llc (ga)
Classification: Pathogenic. Last evaluated: 2015-01-20. Review status: criteria provided, single submitter. Criteria: EGL Classification Definitions 2015. Collection method: clinical testing. Allele origin: germline. Observed: 1 variant allele, 1 heterozygote.